The following is an entry in ClinVar:

ClinVar aggregate classification (germline): Uncertain significance (1 of 4 stars; one submission).

Conditions:
Muscular dystrophy-dystroglycanopathy (congenital with brain and eye anomalies), type a, 8 (MDDGA8). Also called: WALKER-WARBURG SYNDROME OR MUSCLE-EYE-BRAIN DISEASE, GTDC2-RELATED. Identifiers: Orphanet 899, MedGen C3553813, MONDO:0013904, OMIM 614830.

Allele frequency attached by ClinVar (database versions not stated): 1000 Genomes Project 0.00020; 1000 Genomes Project 30x 0.00031.
gnomAD v4.1: 4 of 1,614,118 alleles (0.00025%); highest among the groups gnomAD compares: African/African-American, 0.004%; no homozygotes.

Submission:

Labcorp Genetics (formerly Invitae), Labcorp
Classification: Uncertain significance for Muscular dystrophy-dystroglycanopathy (congenital with brain and eye anomalies), type a, 8. Last evaluated: 2022-08-13. Review status: criteria provided, single submitter. Criteria: Invitae Variant Classification Sherloc (09022015). Collection method: clinical testing. Allele origin: germline.
Comment: Algorithms developed to predict the effect of sequence changes on RNA splicing suggest that this variant may create or strengthen a splice site. In summary, the available evidence is currently insufficient to determine the role of this variant in disease. Therefore, it has been classified as a Variant of Uncertain Significance. This variant is present in population databases (rs147429438, gnomAD 0.003%). Algorithms developed to predict the effect of missense changes on protein structure and function output the following: SIFT: "Tolerated"; PolyPhen-2: "Benign"; Align-GVGD: "Class C0". The glutamine amino acid residue is found in multiple mammalian species, which suggests that this missense change does not adversely affect protein function. This variant has not been reported in the literature in individuals affected with POMGNT2-related conditions. This sequence change replaces histidine, which is basic and polar, with glutamine, which is neutral and polar, at codon 187 of the POMGNT2 protein (p.His187Gln).

NM_032806.6(POMGNT2):c.561C>G (p.His187Gln)

Gene: POMGNT2 (protein O-linked mannose N-acetylglucosaminyltransferase 2 (beta 1,4-); minus strand). Cytogenetic location: 3p22.1.
Variant type: single nucleotide variant.
Coding change: c.561C>G on transcript NM_032806.6 (MANE Select); coding-DNA position 561, C replaced by G.
Protein change: p.His187Gln; replaces histidine 187 with glutamine.
Molecular consequence: missense variant.
Genome position (GRCh38, 1-based): chr3:43,080,871, G>C on the plus strand (C>G on the coding strand, the complement: POMGNT2 is on the minus strand). VCF-style: chr3-43080871-G-C. GRCh37 (hg19) VCF-style: chr3-43122363-G-C.
Other names: short protein forms H187Q.
Identifiers: ClinVar variation 2087736 (VCV002087736.4), dbSNP rs147429438, ClinGen allele CA74243772.